The following is an entry in ClinVar:

NM_000138.5(FBN1):c.4816+1G>T

Gene: FBN1 (fibrillin 1; minus strand). Cytogenetic location: 15q21.1.
Variant type: single nucleotide variant.
Coding change: c.4816+1G>T on transcript NM_000138.5 (MANE Select); the canonical splice donor site of the intron after coding-DNA position 4816, G replaced by T.
Molecular consequence: splice donor variant.
Genome position (GRCh38, 1-based): chr15:48,465,789, C>A on the plus strand (G>T on the coding strand, the complement: FBN1 is on the minus strand). VCF-style: chr15-48465789-C-A. GRCh37 (hg19) VCF-style: chr15-48757986-C-A.
Other names: c.4816+1G>T (NM_001406716.1).
Identifiers: ClinVar variation 519695 (VCV000519695.28), dbSNP rs1555397014, ClinGen allele CA392351517.
Genomic context (GRCh38, chr15:48,465,789, plus strand): 5'-TGTAAATAAACCCAAGGAAATTCAAGTTGTGTGTGCTTTAAGACAAAGGAAACACAATTA[C>A]CTTCCAATATAACGGTGATAGGATTTGGTCGGAAACCTTCCCCTCCAGGACAAAGAATTT-3'

ClinVar aggregate classification (germline): Pathogenic/Likely pathogenic. Review status: criteria provided, multiple submitters, no conflicts (2 of 4 stars). 5 submissions from 5 submitters: Pathogenic (2); Likely pathogenic (2). 1 of the submissions does not count toward it. Last evaluated 2022-11-09.

Conditions:
Familial thoracic aortic aneurysm and aortic dissection (TAAD). Also called: Thoracic aortic aneurysms and dissections. Identifiers: Orphanet 91387, MedGen C4707243, MONDO:0019625.
Marfan syndrome (MFS). Also called: Marfan syndrome type 1; Marfan syndrome, classic; Marfan's syndrome; FBN1-Related Marfan Syndrome; MARFAN SYNDROME, TYPE I. Identifiers: Orphanet 284963, Orphanet 558, MedGen C0024796, MONDO:0007947, OMIM 154700.
FBN1-related disorder. Also called: FBN1-related disorders.

Submissions (5):

Blueprint Genetics
Classification: Likely pathogenic for FBN1-related disorders. Last evaluated: 2022-11-09. Review status: criteria provided, single submitter. Criteria: ACMG Guidelines, 2015. Collection method: clinical testing. Allele origin: germline. Affected: yes. Observed: 1 variant allele.

Labcorp Genetics (formerly Invitae), Labcorp
Classification: Pathogenic for Marfan syndrome; Familial thoracic aortic aneurysm and aortic dissection. Last evaluated: 2022-01-04. Review status: criteria provided, single submitter. Criteria: Invitae Variant Classification Sherloc (09022015). Collection method: clinical testing. Allele origin: germline.
Comment: For these reasons, this variant has been classified as Pathogenic. Algorithms developed to predict the effect of sequence changes on RNA splicing suggest that this variant may disrupt the consensus splice site. ClinVar contains an entry for this variant (Variation ID: 519695). Disruption of this splice site has been observed in individuals with FBN1-related conditions (PMID: 21542060, 31471346). This variant is not present in population databases (gnomAD no frequency). This sequence change affects a donor splice site in intron 39 of the FBN1 gene. It is expected to disrupt RNA splicing. Variants that disrupt the donor or acceptor splice site typically lead to a loss of protein function (PMID: 16199547), and loss-of-function variants in FBN1 are known to be pathogenic (PMID: 17657824, 19293843).

Centre of Medical Genetics, University of Antwerp
Classification: Likely pathogenic for Marfan syndrome. Last evaluated: 2021-03-01. Review status: criteria provided, single submitter. Criteria: Submitter's publication. Collection method: research. Allele origin: unknown. Affected: yes.
Comment: PM2, PS7, PP4

Ambry Genetics
Classification: Pathogenic for Familial thoracic aortic aneurysm and aortic dissection. Last evaluated: 2016-01-27. Review status: criteria provided, single submitter. Criteria: Ambry Variant Classification Scheme 2023. Collection method: clinical testing. Allele origin: germline.
Comment: The c.4816+1G>T intronic pathogenic mutation results from a G to T substitution one nucleotide downstream of coding exon 38 of the FBN1 gene. This alteration was reported in a cohort of patients with Marfan syndrome who met Ghent criteria (Baetens M et al, Hum. Mutat. 2011 Sep; 32(9):1053-62). In addition to the clinical data presented in the literature, since alterations that disrupt the canonical splice donor site are typically deleterious in nature, this alteration is interpreted as a disease-causing mutation (ACMG Recommendations for Standards for Interpretation and Reporting of Sequence Variations. Revision 2007. Genet Med. 2008;10:294).

Center for Medical Genetics Ghent, University of Ghent
Classification: Likely pathogenic for Marfan syndrome. Last evaluated: 2017-11-07. Review status: no assertion criteria provided. Collection method: clinical testing. Allele origin: germline. Affected: yes. Not counted in ClinVar's aggregate classification.

Literature cited by the submitters: PubMed 21542060 (cited by Labcorp Genetics (formerly Invitae), Labcorp and Ambry Genetics); PubMed 31471346 (cited by Labcorp Genetics (formerly Invitae), Labcorp); PubMed 16199547 (cited by Labcorp Genetics (formerly Invitae), Labcorp); PubMed 17657824 (cited by Labcorp Genetics (formerly Invitae), Labcorp); PubMed 19293843 (cited by Labcorp Genetics (formerly Invitae), Labcorp).